The following is an entry in ClinVar:

NM_001987.5(ETV6):c.844del (p.Arg282fs)

Gene: ETV6 (ETS variant transcription factor 6; plus strand). Cytogenetic location: 12p13.2.
Variant type: Deletion.
Coding change: c.844del on transcript NM_001987.5 (MANE Select); coding-DNA position 844, one base deleted (C; older notation c.844delC).
Protein change: p.Arg282fs; shifts the reading frame from arginine 282.
Molecular consequence: frameshift variant.
Genome position (GRCh38, 1-based): chr12:11,869,804, C deleted; the last of 5 consecutive C bases (chr12:11,869,800-11,869,804); deleting any one gives the same sequence. VCF-style (leftmost placement, unchanged base first): chr12-11869799-AC-A. GRCh37 (hg19) VCF-style: chr12-12022733-AC-A.
Other names: c.844del, p.Arg282fs (NM_001413916.1, NM_001413917.1); c.841del, p.Arg281fs (NM_001413913.1); c.817del, p.Arg273fs (NM_001413914.1); c.580del, p.Arg194fs (NM_001413915.1); short protein forms R273fs, R281fs, R282fs, R194fs.
Identifiers: ClinVar variation 3652385 (VCV003652385.2).

ClinVar aggregate classification (germline): Pathogenic (1 of 4 stars; one submission).

Submission:

Labcorp Genetics (formerly Invitae), Labcorp
Classification: Pathogenic. Last evaluated: 2024-10-03. Review status: criteria provided, single submitter. Criteria: Invitae Variant Classification Sherloc (09022015). Collection method: clinical testing. Allele origin: germline.
Comment: This sequence change creates a premature translational stop signal (p.Arg282Glyfs*34) in the ETV6 gene. It is expected to result in an absent or disrupted protein product. Loss-of-function variants in ETV6 are known to be pathogenic (PMID: 26102509, 27365488, 29034503). This variant is not present in population databases (gnomAD no frequency). This variant has not been reported in the literature in individuals affected with ETV6-related conditions. For these reasons, this variant has been classified as Pathogenic.

Literature cited by the submitters: PubMed 26102509; PubMed 27365488; PubMed 29034503.